The following is an entry in ClinVar:

ClinVar aggregate classification (germline): Benign/Likely benign. Review status: criteria provided, multiple submitters, no conflicts (2 of 4 stars). 2 submissions from 2 submitters: Benign (1); Likely benign (1). Last evaluated 2026-03-01.

Conditions:
Methylmalonic acidemia with homocystinuria, type cblX (MAHCX). Also called: INTELLECTUAL DEVELOPMENTAL DISORDER, X-LINKED 3. Identifiers: Orphanet 369962, MedGen C0796208, MONDO:0010657, OMIM 309541.

Allele frequency attached by ClinVar (database versions not stated): gnomAD 0.00005; TOPMed 0.00005; ExAC 0.00029; 1000 Genomes Project 30x 0.00042.
gnomAD v4.1: 20 of 1,140,625 alleles (0.0018%); highest among the groups gnomAD compares: South Asian, 0.0042%; no homozygotes.

Submissions (2):

CeGaT Center for Human Genetics Tuebingen
Classification: Likely benign. Last evaluated: 2026-03-01. Review status: criteria provided, single submitter. Criteria: CeGaT Center For Human Genetics Tuebingen Variant Classification Criteria Version 2. Collection method: clinical testing. Allele origin: germline. Affected: yes. Observed: 1 variant allele.
Comment: HCFC1: BP4, BP7, BS2

Labcorp Genetics (formerly Invitae), Labcorp
Classification: Benign for Methylmalonic acidemia with homocystinuria, type cblX. Last evaluated: 2024-03-12. Review status: criteria provided, single submitter. Criteria: Invitae Variant Classification Sherloc (09022015). Collection method: clinical testing. Allele origin: germline.

NM_005334.3(HCFC1):c.4983C>T (p.Thr1661=)

Gene: HCFC1 (host cell factor C1; minus strand). Cytogenetic location: Xq28.
Variant type: single nucleotide variant.
Coding change: c.4983C>T on transcript NM_005334.3 (MANE Select); coding-DNA position 4983, C replaced by T.
Protein change: p.Thr1661=; no amino-acid change (threonine 1661 retained).
Molecular consequence: synonymous variant.
Genome position (GRCh38, 1-based): chrX:153,952,118, G>A on the plus strand (C>T on the coding strand, the complement: HCFC1 is on the minus strand). VCF-style: chrX-153952118-G-A. GRCh37 (hg19) VCF-style: chrX-153217569-G-A.
Other names: c.5118C>T, p.Thr1706= (NM_001410705.1).
Identifiers: ClinVar variation 2886632 (VCV002886632.7), dbSNP rs782623679, ClinGen allele CA10556873.